The following is an entry in ClinVar:

NM_003573.2(LTBP4):c.184C>T (p.Pro62Ser)

Gene: LTBP4 (latent transforming growth factor beta binding protein 4; plus strand). Cytogenetic location: 19q13.2.
Variant type: single nucleotide variant.
Coding change: c.184C>T on transcript NM_003573.2; coding-DNA position 184, C replaced by T.
Protein change: p.Pro62Ser; replaces proline 62 with serine.
Molecular consequence: missense variant.
Genome position (GRCh38, 1-based): chr19:40,599,510, C>T. VCF-style: chr19-40599510-C-T. GRCh37 (hg19) VCF-style: chr19-41105416-C-T.
Other names: c.295C>T, p.Pro99Ser (NM_001042544.1); short protein forms P62S, P99S.
Identifiers: ClinVar variation 3375752 (VCV003375752.1).

ClinVar aggregate classification (germline): Uncertain significance (1 of 4 stars; one submission).

gnomAD v4.1: 1 of 1,613,252 alleles (0.000062%); highest among the groups gnomAD compares: Non-Finnish European, 0.000085%; no homozygotes.

Submission:

GeneDx
Classification: Uncertain significance. Last evaluated: 2024-05-07. Review status: criteria provided, single submitter. Criteria: GeneDx Variant Classification Process June 2021. Collection method: clinical testing. Allele origin: germline. Affected: yes.
Comment: Not observed at significant frequency in large population cohorts (gnomAD); In silico analysis indicates that this missense variant does not alter protein structure/function; Has not been previously published as pathogenic or benign to our knowledge